The following is an entry in ClinVar:

NM_022436.3(ABCG5):c.731T>C (p.Ile244Thr)

Genes: DYNC2LI1 (dynein cytoplasmic 2 light intermediate chain 1; plus strand), ABCG5 (ATP binding cassette subfamily G member 5; minus strand). Cytogenetic location: 2p21.
Variant type: single nucleotide variant.
Coding change: c.731T>C on transcript NM_022436.3 (MANE Select); coding-DNA position 731, T replaced by C.
Protein change: p.Ile244Thr; replaces isoleucine 244 with threonine.
Molecular consequence: missense variant. On other transcripts: intron variant (2).
Genome position (GRCh38, 1-based): chr2:43,826,425, A>G on the plus strand (T>C on the coding strand, the complement: ABCG5 is on the minus strand). VCF-style: chr2-43826425-A-G. GRCh37 (hg19) VCF-style: chr2-44053564-A-G.
Other names: p.Ile244Thr; c.*16-961A>G (NM_001348913.2, NM_001348912.2); c.731T>C (NM_022436.2); short protein forms I244T.
Identifiers: ClinVar variation 2063104 (VCV002063104.2), dbSNP rs371924715, ClinGen allele CA1636548.

ClinVar aggregate classification (germline): Uncertain significance. Review status: criteria provided, multiple submitters, no conflicts (2 of 4 stars). 3 submissions from 3 submitters: Uncertain significance (3). Last evaluated 2026-07-20.

Conditions:
ABCG5-related disorder. Also called: ABCG5-related condition.
Sitosterolemia (STSL). Also called: PHYTOSTEROLEMIA. Identifiers: Orphanet 2882, MedGen C0342907, MONDO:0008863.

Allele frequency attached by ClinVar (database versions not stated): gnomAD 0.00003; TOPMed 0.00005; ExAC 0.00004.
gnomAD v4.1: 50 of 1,614,008 alleles (0.0031%); highest among the groups gnomAD compares: Admixed American, 0.018%; no homozygotes.

Submissions (3):

PreventionGenetics, part of Exact Sciences
Classification: Uncertain significance for ABCG5-related condition. Last evaluated: 2026-07-20. Review status: criteria provided, single submitter. Criteria: ACMG Guidelines, 2015. Collection method: clinical testing. Allele origin: germline.
Comment: The ABCG5 c.731T>C variant is predicted to result in the amino acid substitution p.Ile244Thr. This variant has been reported in an individual with hypercholesterolemia, but it is unclear if this variant contributes to a hypercholesterolemia phenotype (Reeskamp et al 2020. PubMed ID: 32088153). This variant has also been described in a large cohort of individuals with intrahepatic cholestasis of pregnancy (Table S3, Liu et al. 2022. PubMed ID: 36046230). This variant is reported in 0.043% of alleles in individuals of East Asian descent in gnomAD. At this time, the clinical significance of this variant is uncertain due to the absence of conclusive functional and genetic evidence.

Mayo Clinic Laboratories, Mayo Clinic
Classification: Uncertain significance. Last evaluated: 2025-10-20. Review status: criteria provided, single submitter. Criteria: ACMG Guidelines, 2015. Collection method: clinical testing. Allele origin: germline. Observed: 1 variant allele.
Comment: BP4

Labcorp Genetics (formerly Invitae), Labcorp
Classification: Uncertain significance for Sitosterolemia. Last evaluated: 2022-08-19. Review status: criteria provided, single submitter. Criteria: Invitae Variant Classification Sherloc (09022015). Collection method: clinical testing. Allele origin: germline.
Comment: This sequence change replaces isoleucine, which is neutral and non-polar, with threonine, which is neutral and polar, at codon 244 of the ABCG5 protein (p.Ile244Thr). This variant is present in population databases (rs371924715, gnomAD 0.04%). This missense change has been observed in individual(s) with hypercholesterolemia (PMID: 32088153). Algorithms developed to predict the effect of missense changes on protein structure and function (SIFT, PolyPhen-2, Align-GVGD) all suggest that this variant is likely to be disruptive. In summary, the available evidence is currently insufficient to determine the role of this variant in disease. Therefore, it has been classified as a Variant of Uncertain Significance.

Literature cited by the submitters: PubMed 32088153 (cited by Mayo Clinic Laboratories, Mayo Clinic and Labcorp Genetics (formerly Invitae), Labcorp); PubMed 36046230 (cited by Mayo Clinic Laboratories, Mayo Clinic).